The following is an entry in ClinVar:

ClinVar aggregate classification (germline): Uncertain significance. Review status: criteria provided, multiple submitters, no conflicts (2 of 4 stars). 3 submissions from 3 submitters: Uncertain significance (3). Last evaluated 2024-02-05.

Conditions:
Fanconi anemia complementation group I (FANCI). Also called: FANCI-Related Fanconi Anemia. Identifiers: Orphanet 84, MedGen C1836861, MONDO:0012186, OMIM 609053.
Fanconi anemia (FA). Also called: Fanconi's anemia. Identifiers: Orphanet 84, MedGen C0015625, MeSH D005199, MONDO:0019391.

Allele frequency attached by ClinVar (database versions not stated): ExAC 0.00001; TOPMed 0.00002; gnomAD 0.00004.
gnomAD v4.1: 37 of 1,614,104 alleles (0.0023%); highest among the groups gnomAD compares: East Asian, 0.0045%; no homozygotes.

Submissions (3):

Fulgent Genetics
Classification: Uncertain significance for Fanconi anemia complementation group I. Last evaluated: 2024-02-05. Review status: criteria provided, single submitter. Criteria: ACMG Guidelines, 2015. Collection method: clinical testing. Allele origin: germline.

Sema4
Classification: Uncertain significance for Fanconi anemia. Last evaluated: 2022-03-13. Review status: criteria provided, single submitter. Criteria: Sema4 Curation Guidelines. Collection method: curation. Allele origin: germline.
Comment: To the best of our knowledge, the FANCI c.2419A>G (p.M807V) variant has not been reported in individuals with FANCI-related disease. It was observed in 1/19954 chromosomes of the East Asian subpopulation in the large and broad cohorts of the Genome Aggregation Database (PMID: 32461654). The variant has not been reported in ClinVar. Functional studies have not been performed, and in silico predictions of the variant's effect on protein function are inconclusive. The evidence is insufficient to meet ACMG/AMP criteria for classifying the variant as benign or pathogenic. Thus, the clinical significance of this variant is currently uncertain.

Labcorp Genetics (formerly Invitae), Labcorp
Classification: Uncertain significance for Fanconi anemia. Last evaluated: 2022-02-21. Review status: criteria provided, single submitter. Criteria: Invitae Variant Classification Sherloc (09022015). Collection method: clinical testing. Allele origin: germline.
Comment: This sequence change replaces methionine, which is neutral and non-polar, with valine, which is neutral and non-polar, at codon 807 of the FANCI protein (p.Met807Val). This variant is present in population databases (rs750348956, gnomAD 0.005%). This variant has not been reported in the literature in individuals affected with FANCI-related conditions. Algorithms developed to predict the effect of missense changes on protein structure and function are either unavailable or do not agree on the potential impact of this missense change (SIFT: "Deleterious"; PolyPhen-2: "Benign"; Align-GVGD: "Class C0"). In summary, the available evidence is currently insufficient to determine the role of this variant in disease. Therefore, it has been classified as a Variant of Uncertain Significance.

NM_001113378.2(FANCI):c.2419A>G (p.Met807Val)

Gene: FANCI (FA complementation group I; plus strand). Cytogenetic location: 15q26.1.
Variant type: single nucleotide variant.
Coding change: c.2419A>G on transcript NM_001113378.2 (MANE Select); coding-DNA position 2419, A replaced by G.
Protein change: p.Met807Val; replaces methionine 807 with valine.
Molecular consequence: missense variant.
Genome position (GRCh38, 1-based): chr15:89,293,960, A>G. VCF-style: chr15-89293960-A-G. GRCh37 (hg19) VCF-style: chr15-89837191-A-G.
Other names: c.2140A>G, p.Met714Val (NM_001376910.1); c.2419A>G, p.Met807Val (NM_001376911.1, NM_018193.3); short protein forms M714V, M807V.
Identifiers: ClinVar variation 1385330 (VCV001385330.5), dbSNP rs750348956, ClinGen allele CA7723375.
Genomic context (GRCh38, chr15:89,293,960, plus strand): 5'-GAAAAAGCGGGTAAAGCCAAAACTAAAATGGCCAACAAGACAAGTGATAGTCTTTTGTCC[A>G]TGAAATTTGTGTCCAGTCTTCTCACTGCTCTTTTCAGGTAAGGTTCTGCTAGAGTGCTTA-3'
Protein context (NP_001106849.1, residues 797-817): ANKTSDSLLS[Met807Val]KFVSSLLTAL